The following is an entry in ClinVar:

ClinVar aggregate classification (germline): Pathogenic. Review status: criteria provided, single submitter (1 of 4 stars). 2 submissions from 2 submitters: Pathogenic (1). 1 of the submissions does not count toward it. Last evaluated 2024-10-09.

Conditions:
ADNP-related disorder. Also called: ADNP-related condition.
ADNP-related multiple congenital anomalies - intellectual disability - autism spectrum disorder. Also called: Helsmoortel-Van der Aa Syndrome; ADNP-Related Helsmoortel-Van der Aa Syndrome. Identifiers: Orphanet 404448, MedGen C4014538, MONDO:0014379, OMIM 615873. Disease mechanism: loss of function.

Submissions (2):

Victorian Clinical Genetics Services, Murdoch Childrens Research Institute
Classification: Pathogenic for ADNP-related multiple congenital anomalies - intellectual disability - autism spectrum disorder. Last evaluated: 2024-10-09. Review status: criteria provided, single submitter. Criteria: ACMG Guidelines, 2015. Collection method: clinical testing. Allele origin: germline. Inheritance: Autosomal dominant inheritance. Affected: yes.
Comment: Based on the classification scheme VCGS_Germline_v1.3.4, this variant is classified as Pathogenic. Following criteria are met: 0102 - Loss of function is a known mechanism of disease in this gene and is associated with Helsmoortel-van der Aa syndrome (MIM#615873). (I) 0107 - This gene is associated with autosomal dominant disease. (I) 0112 - The condition associated with this gene has incomplete penetrance. Two individuals with ADNP-related disorders have been reported to have inherited a pathogenic variant from an unaffected parent (PMID: 29724491). (I) 0204 - Variant is predicted to result in a truncated protein (premature termination codon is NOT located at least 54 nucleotides upstream of the final exon-exon junction) with at least 1/3 of the protein sequence affected. (SP) 0251 - This variant is heterozygous. (I) 0301 - Variant is absent from gnomAD (both v2 and v3). (SP) 0600 - Variant disrupts the annotated ADNP N-terminal domain (DECIPHER). (I) 0701 - Other downstream truncating variants comparable to the one identified in this case have very strong previous evidence for pathogenicity (DECIPHER). (SP) 0802 - This variant has moderate previous evidence of pathogenicity in an unrelated individual. This variant has been observed as de novo in an individual with ADNP-related features (PMID: 38204290). (SP) 0905 - No published segregation evidence has been identified for this variant. (I) 1007 - No published functional evidence has been identified for this variant. (SP) Legend: (SP) - Supporting pathogenic, (I) - Information, (SB) - Supporting benign

PreventionGenetics, part of Exact Sciences
Classification: Pathogenic for ADNP-related condition. Last evaluated: 2023-12-12. Review status: no assertion criteria provided. Collection method: clinical testing. Allele origin: germline. Not counted in ClinVar's aggregate classification.
Comment: The ADNP c.2189delG variant is predicted to result in a frameshift and premature protein termination (p.Arg730Glnfs*3). To our knowledge, this variant has not been reported in the literature or in a large population database, indicating this variant is rare. Frameshift variants in ADNP are expected to be pathogenic. This variant is interpreted as pathogenic.

Literature cited by the submitters: PubMed 29724491 (cited by Victorian Clinical Genetics Services, Murdoch Childrens Research Institute); PubMed 38204290 (cited by Victorian Clinical Genetics Services, Murdoch Childrens Research Institute).

NM_001282531.3(ADNP):c.2189del (p.Arg730fs)

Gene: ADNP (activity dependent neuroprotector homeobox; minus strand). Cytogenetic location: 20q13.13.
Variant type: Deletion.
Coding change: c.2189del on transcript NM_001282531.3 (MANE Select); coding-DNA position 2189, one base deleted (G; older notation c.2189delG).
Protein change: p.Arg730fs; shifts the reading frame from arginine 730.
Molecular consequence: frameshift variant.
Genome position (GRCh38, 1-based): chr20:50,892,525, C deleted on the plus strand (G on the coding strand, the reverse complement: ADNP is on the minus strand). VCF-style (leftmost placement, unchanged base first): chr20-50892524-TC-T. GRCh37 (hg19) VCF-style: chr20-49509061-TC-T.
Other names: c.2189del, p.Arg730fs (NM_001282532.2, NM_001347511.2, NM_015339.5 and 1 more transcripts); short protein forms R730fs.
Identifiers: ClinVar variation 3033209 (VCV003033209.3), dbSNP rs2489790262, ClinGen allele CA2740094593.
Genomic context (GRCh38, chr20:50,892,524, plus strand): 5'-AACAGGCTCTTCAGGCTTCTCTTCAAAGAAGCTGGGTGAATCACTATCATCATCTAACTT[TC>T]GTTTTTTCAGTAAGGGAAATTCCATTTGCTCGTAAGTGCGCTTCACAGGTGCCAGACTTG-3'